The following is an entry in ClinVar:

ClinVar aggregate classification (germline): Pathogenic (1 of 4 stars; one submission).

Conditions:
Neurometabolic disorder due to serine deficiency. Identifiers: Orphanet 35705, MedGen C5680148, MONDO:0018162.

Submission:

Myriad Genetics, Inc.
Classification: Pathogenic for Neurometabolic disorder due to serine deficiency. Last evaluated: 2024-10-10. Review status: criteria provided, single submitter. Criteria: Myriad Autosomal Dominant, Autosomal Recessive and X-Linked Classification Criteria (2023). Collection method: clinical testing. Allele origin: unknown.
Comment: NM_006623.3(PHGDH):c.779delA(D260Afs*48) is expected to be pathogenic in the context of serine deficiency disorder, PHGDH-related. This variant is predicted to lead to an abnormal or absent protein product due to the creation of a premature termination codon in PHGDH, a gene where loss-of-function variants are known to be pathogenic. Please note: this variant was assessed in the context of healthy population screening.

NM_006623.4(PHGDH):c.779del (p.Asp260fs)

Gene: PHGDH (phosphoglycerate dehydrogenase; plus strand). Cytogenetic location: 1p12.
Variant type: Deletion.
Coding change: c.779del on transcript NM_006623.4 (MANE Select); coding-DNA position 779, one base deleted (A; older notation c.779delA).
Protein change: p.Asp260fs; shifts the reading frame from aspartic acid 260.
Molecular consequence: frameshift variant.
Genome position (GRCh38, 1-based): chr1:119,735,430, A deleted. VCF-style (leftmost placement, unchanged base first): chr1-119735429-GA-G. GRCh37 (hg19) VCF-style: chr1-120278052-GA-G.
Other names: short protein forms D260fs.
Identifiers: ClinVar variation 5013633 (VCV005013633.1).
Genomic context (GRCh38, chr1:119,735,429, plus strand): 5'-GTGGACGAAGGCGCCCTGCTCCGGGCCCTGCAGTCTGGCCAGTGTGCCGGGGCTGCACTG[GA>G]CGTGTTTACGGAAGTAAGTGCCTGGCAGCCTCAGCGTCAGGAGGACGGGAGAGATAGGGA-3'